The following is an entry in ClinVar:

NM_001367823.1(ARHGEF18):c.2957C>T (p.Ser986Leu)

Gene: ARHGEF18 (Rho/Rac guanine nucleotide exchange factor 18; plus strand). Cytogenetic location: 19p13.2.
Variant type: single nucleotide variant.
Coding change: c.2957C>T on transcript NM_001367823.1 (MANE Select); coding-DNA position 2957, C replaced by T.
Protein change: p.Ser986Leu; replaces serine 986 with leucine.
Molecular consequence: missense variant.
Genome position (GRCh38, 1-based): chr19:7,466,970, C>T. VCF-style: chr19-7466970-C-T. GRCh37 (hg19) VCF-style: chr19-7531856-C-T.
Other names: c.2231C>T, p.Ser744Leu (NM_001130955.2); c.1919C>T, p.Ser640Leu (NM_001367824.1, NM_015318.4); c.2393C>T (NM_001130955.1); short protein forms S640L, S744L, S986L.
Identifiers: ClinVar variation 1165533 (VCV001165533.12), dbSNP rs114123358, ClinGen allele CA9137048.

ClinVar aggregate classification (germline): Benign/Likely benign. Review status: criteria provided, multiple submitters, no conflicts (2 of 4 stars). 4 submissions from 4 submitters: Benign (1); Likely benign (2). 1 of the submissions does not count toward it. Last evaluated 2026-01-19.

Conditions:
Inborn genetic diseases. Identifiers: MedGen C0950123, MeSH D030342.
ARHGEF18-related disorder. Also called: ARHGEF18-related condition.

Allele frequency attached by ClinVar (database versions not stated): gnomAD exomes 0.00066; ExAC 0.00078; ESP Exome Variant Server 0.00254; gnomAD 0.00263 and 0.00277; 1000 Genomes Project 0.00280; TOPMed 0.00283; 1000 Genomes Project 30x 0.00344.
gnomAD v4.1: 785 of 1,613,336 alleles (0.049%); highest among the groups gnomAD compares: African/African-American, 0.86%; 5 homozygotes.

Submissions (4):

Labcorp Genetics (formerly Invitae), Labcorp
Classification: Benign. Last evaluated: 2026-01-19. Review status: criteria provided, single submitter. Criteria: Invitae Variant Classification Sherloc (09022015). Collection method: clinical testing. Allele origin: germline.

Blueprint Genetics
Classification: Likely benign. Last evaluated: 2024-10-02. Review status: criteria provided, single submitter. Criteria: ACMG Guidelines, 2015. Collection method: clinical testing. Allele origin: germline.

Ambry Genetics
Classification: Likely benign for Inborn genetic diseases. Last evaluated: 2022-12-27. Review status: criteria provided, single submitter. Criteria: Ambry Variant Classification Scheme 2023. Collection method: clinical testing. Allele origin: germline.

PreventionGenetics, part of Exact Sciences
Classification: Benign for ARHGEF18-related condition. Last evaluated: 2024-07-29. Review status: no assertion criteria provided. Collection method: clinical testing. Allele origin: germline. Not counted in ClinVar's aggregate classification.
Comment: This variant is classified as benign based on ACMG/AMP sequence variant interpretation guidelines (Richards et al. 2015 PMID: 25741868, with internal and published modifications).